The following is an entry in ClinVar:

ClinVar aggregate classification (germline): Uncertain significance (1 of 4 stars; one submission).

Conditions:
Inborn genetic diseases. Identifiers: MedGen C0950123, MeSH D030342.

Submission:

Ambry Genetics
Classification: Uncertain significance for Inborn genetic diseases. Last evaluated: 2023-05-23. Review status: criteria provided, single submitter. Criteria: Ambry Variant Classification Scheme 2023. Collection method: clinical testing. Allele origin: germline.
Comment: The p.L557R variant (also known as c.1670T>G), located in coding exon 7 of the ATR gene, results from a T to G substitution at nucleotide position 1670. The leucine at codon 557 is replaced by arginine, an amino acid with dissimilar properties. This amino acid position is conserved. In addition, this alteration is predicted to be tolerated by in silico analysis. Since supporting evidence is limited at this time, the clinical significance of this alteration remains unclear.

NM_001184.4(ATR):c.1670T>G (p.Leu557Arg)

Gene: ATR (ATR checkpoint kinase; minus strand). Cytogenetic location: 3q23.
Variant type: single nucleotide variant.
Coding change: c.1670T>G on transcript NM_001184.4 (MANE Select); coding-DNA position 1670, T replaced by G.
Protein change: p.Leu557Arg; replaces leucine 557 with arginine.
Molecular consequence: missense variant.
Genome position (GRCh38, 1-based): chr3:142,559,313, A>C on the plus strand (T>G on the coding strand, the complement: ATR is on the minus strand). VCF-style: chr3-142559313-A-C. GRCh37 (hg19) VCF-style: chr3-142278155-A-C.
Other names: c.1478T>G, p.Leu493Arg (NM_001354579.2); short protein forms L557R, L493R.
Identifiers: ClinVar variation 2567840 (VCV002567840.2), dbSNP rs2034795141, ClinGen allele CA354822012.